The following is an entry in ClinVar:

NM_000282.4(PCCA):c.1886T>G (p.Phe629Cys)

Gene: PCCA (propionyl-CoA carboxylase subunit alpha; plus strand). Cytogenetic location: 13q32.3.
Variant type: single nucleotide variant.
Coding change: c.1886T>G on transcript NM_000282.4 (MANE Select); coding-DNA position 1886, T replaced by G.
Protein change: p.Phe629Cys; replaces phenylalanine 629 with cysteine.
Molecular consequence: missense variant. On other transcripts: non-coding transcript variant (5), intron variant (2).
Genome position (GRCh38, 1-based): chr13:100,449,292, T>G. VCF-style: chr13-100449292-T-G. GRCh37 (hg19) VCF-style: chr13-101101546-T-G.
Other names: c.1886T>G (NM_000282.3); c.1808T>G, p.Phe603Cys (NM_001127692.3, NM_001352607.2); c.1886T>G, p.Phe629Cys (NM_001178004.2, NM_001352609.2); c.1742T>G, p.Phe581Cys (NM_001352606.2); c.1664T>G, p.Phe555Cys (NM_001352608.2); c.941T>G, p.Phe314Cys (NM_001352610.2); c.797T>G, p.Phe266Cys (NM_001352612.2); c.1845+23561T>G (NM_001352605.2); and 1 more; short protein forms F266C, F314C, F555C, F581C, F603C, F629C.
Identifiers: ClinVar variation 1005677 (VCV001005677.11), dbSNP rs1400179119, ClinGen allele CA388696010.

ClinVar aggregate classification (germline): Uncertain significance. Review status: criteria provided, multiple submitters, no conflicts (2 of 4 stars). 3 submissions from 3 submitters: Uncertain significance (2). 1 of the submissions does not count toward it. Last evaluated 2025-03-04.

Conditions:
Propionic acidemia (PROP). Also called: GLYCINEMIA, KETOTIC; HYPERGLYCINEMIA WITH KETOACIDOSIS AND LEUKOPENIA; KETOTIC HYPERGLYCINEMIA. Identifiers: Orphanet 35, MedGen C0268579, MONDO:0011628, OMIM 606054, HP:0003571.
Inborn genetic diseases. Identifiers: MedGen C0950123, MeSH D030342.

Allele frequency attached by ClinVar (database versions not stated): gnomAD exomes 0.00001.
gnomAD v4.1: 4 of 1,533,514 alleles (0.00026%); highest among the groups gnomAD compares: Non-Finnish European, 0.00035%; no homozygotes.

Submissions (3):

Ambry Genetics
Classification: Uncertain significance for Inborn genetic diseases. Last evaluated: 2025-03-04. Review status: criteria provided, single submitter. Criteria: Ambry Variant Classification Scheme 2023. Collection method: clinical testing. Allele origin: germline.

Labcorp Genetics (formerly Invitae), Labcorp
Classification: Uncertain significance for Propionic acidemia. Last evaluated: 2021-09-02. Review status: criteria provided, single submitter. Criteria: Invitae Variant Classification Sherloc (09022015). Collection method: clinical testing. Allele origin: germline.
Comment: This sequence change replaces phenylalanine with cysteine at codon 629 of the PCCA protein (p.Phe629Cys). The phenylalanine residue is highly conserved and there is a large physicochemical difference between phenylalanine and cysteine. This variant is not present in population databases (ExAC no frequency). This variant has not been reported in the literature in individuals affected with PCCA-related conditions. Algorithms developed to predict the effect of missense changes on protein structure and function are either unavailable or do not agree on the potential impact of this missense change (SIFT: "Deleterious"; PolyPhen-2: "Benign"; Align-GVGD: "Class C55"). In summary, the available evidence is currently insufficient to determine the role of this variant in disease. Therefore, it has been classified as a Variant of Uncertain Significance.

Natera, Inc.
Classification: Uncertain significance for Propionic acidemia. Last evaluated: 2020-05-29. Review status: no assertion criteria provided. Collection method: clinical testing. Allele origin: germline. Not counted in ClinVar's aggregate classification.